The following is an entry in ClinVar:

ClinVar aggregate classification (germline): Uncertain significance (1 of 4 stars; one submission).

Submission:

Labcorp Genetics (formerly Invitae), Labcorp
Classification: Uncertain significance. Last evaluated: 2022-08-15. Review status: criteria provided, single submitter. Criteria: Invitae Variant Classification Sherloc (09022015). Collection method: clinical testing. Allele origin: germline.
Comment: Algorithms developed to predict the effect of sequence changes on RNA splicing suggest that this variant may create or strengthen a splice site. ClinVar contains an entry for this variant (Variation ID: 1510035). This variant has not been reported in the literature in individuals affected with PCARE-related conditions. This variant is present in population databases (no rsID available, gnomAD no frequency). This variant, c.3675_3676insAGT, results in the insertion of 1 amino acid(s) of the PCARE protein (p.Ser1225dup), but otherwise preserves the integrity of the reading frame. In summary, the available evidence is currently insufficient to determine the role of this variant in disease. Therefore, it has been classified as a Variant of Uncertain Significance.

NM_001029883.3(PCARE):c.3675_3676insAGT (p.Ser1225dup)

Gene: PCARE (photoreceptor cilium actin regulator; minus strand). Cytogenetic location: 2p23.2.
Variant type: Insertion.
Coding change: c.3675_3676insAGT on transcript NM_001029883.3 (MANE Select); coding-DNA positions 3675 to 3676, AGT inserted.
Protein change: p.Ser1225dup; duplicates serine 1225.
Molecular consequence: inframe insertion.
Genome position: GRCh38 VCF-style: chr2-29065060-C-CACT. GRCh37 (hg19) VCF-style: chr2-29287926-C-CACT.
Identifiers: ClinVar variation 1510035 (VCV001510035.6), dbSNP rs1553353627, ClinGen allele CA531766788.
Genomic context (GRCh38, chr2:29,065,060, plus strand): 5'-CCTGCAGTTCAGGGGAACAGGGGCTGCTCCCCGGCTCTGTGTCCTTCTTAGGGCTCTCCT[C>CACT]GCTGCTGCTGCCGAGAGAAAGGACAAGTGCAGGTCAGACACTCCTCCTCTGCTGCTCCTT-3'